The following is an entry in ClinVar:

NM_002972.4(SBF1):c.992C>T (p.Thr331Met)

Gene: SBF1 (SET binding factor 1; minus strand). Cytogenetic location: 22q13.33.
Variant type: single nucleotide variant.
Coding change: c.992C>T on transcript NM_002972.4 (MANE Select); coding-DNA position 992, C replaced by T.
Protein change: p.Thr331Met; replaces threonine 331 with methionine.
Molecular consequence: missense variant.
Genome position (GRCh38, 1-based): chr22:50,465,980, G>A on the plus strand (C>T on the coding strand, the complement: SBF1 is on the minus strand). VCF-style: chr22-50465980-G-A. GRCh37 (hg19) VCF-style: chr22-50904409-G-A.
Other names: c.995C>T, p.Thr332Met (NM_001365819.1); c.992C>T (NM_002972.3); short protein forms T332M, T331M.
Identifiers: ClinVar variation 1489595 (VCV001489595.6), dbSNP rs544578906, ClinGen allele CA10317891.

ClinVar aggregate classification (germline): Uncertain significance. Review status: criteria provided, multiple submitters, no conflicts (2 of 4 stars). 2 submissions from 2 submitters: Uncertain significance (2). Last evaluated 2022-08-18.

Conditions:
Charcot-Marie-Tooth disease type 4B3. Also called: CHARCOT-MARIE-TOOTH DISEASE, DEMYELINATING, TYPE 4B3; Charcot-Marie-Tooth Neuropathy Type 4B3. Identifiers: Orphanet 363981, MedGen C3695063, MONDO:0014117, OMIM 615284.

Allele frequency attached by ClinVar (database versions not stated): gnomAD 0.00004 and 0.00011; TOPMed 0.00011; gnomAD exomes 0.00014 and 0.00030; ExAC 0.00032; 1000 Genomes Project 30x 0.00062; 1000 Genomes Project 0.00080.
gnomAD v4.1: 221 of 1,613,936 alleles (0.014%); highest among the groups gnomAD compares: South Asian, 0.2%; 1 homozygote.

Submissions (2):

Labcorp Genetics (formerly Invitae), Labcorp
Classification: Uncertain significance. Last evaluated: 2022-08-18. Review status: criteria provided, single submitter. Criteria: Invitae Variant Classification Sherloc (09022015). Collection method: clinical testing. Allele origin: germline.
Comment: This sequence change replaces threonine, which is neutral and polar, with methionine, which is neutral and non-polar, at codon 331 of the SBF1 protein (p.Thr331Met). This variant is present in population databases (rs544578906, gnomAD 0.2%). This variant has not been reported in the literature in individuals affected with SBF1-related conditions. ClinVar contains an entry for this variant (Variation ID: 1489595). Algorithms developed to predict the effect of missense changes on protein structure and function are either unavailable or do not agree on the potential impact of this missense change (SIFT: "Tolerated"; PolyPhen-2: "Probably Damaging"; Align-GVGD: "Class C0"). In summary, the available evidence is currently insufficient to determine the role of this variant in disease. Therefore, it has been classified as a Variant of Uncertain Significance.

Breakthrough Genomics
Classification: Uncertain significance. Review status: criteria provided, single submitter. Criteria: ACMG Guidelines, 2015. Collection method: not provided. Allele origin: germline. Inheritance: Autosomal dominant inheritance. Affected: yes.